The following is an entry in ClinVar:

NM_000359.3(TGM1):c.1033G>A (p.Asp345Asn)

Gene: TGM1 (transglutaminase 1; minus strand). Cytogenetic location: 14q12.
Variant type: single nucleotide variant.
Coding change: c.1033G>A on transcript NM_000359.3 (MANE Select); coding-DNA position 1033, G replaced by A.
Protein change: p.Asp345Asn; replaces aspartic acid 345 with asparagine.
Molecular consequence: missense variant.
Genome position (GRCh38, 1-based): chr14:24,259,201, C>T on the plus strand (G>A on the coding strand, the complement: TGM1 is on the minus strand). VCF-style: chr14-24259201-C-T. GRCh37 (hg19) VCF-style: chr14-24728407-C-T.
Other names: short protein forms D345N.
Identifiers: ClinVar variation 1049855 (VCV001049855.1), dbSNP rs565588144, ClinGen allele CA7131208.

ClinVar aggregate classification (germline): Uncertain significance (0 of 4 stars; one submission).

Allele frequency attached by ClinVar (database versions not stated): gnomAD 0.00001 and 0.00002; gnomAD exomes 0.00002 and 0.00004; TOPMed 0.00002; ExAC 0.00005; 1000 Genomes Project 0.00020; 1000 Genomes Project 30x 0.00031.
gnomAD v4.1: 26 of 1,614,018 alleles (0.0016%); highest among the groups gnomAD compares: Admixed American, 0.01%; no homozygotes.

Submission:

Department of Pathology and Laboratory Medicine, Sinai Health System
Classification: Uncertain significance. Review status: no assertion criteria provided. Collection method: clinical testing. Allele origin: unknown. Affected: yes. Study: The Canadian Open Genetics Repository (COGR).
Comment: The TGM1 p.Asp345Asn variant was not identified in the literature nor was it identified in ClinVar. The variant was identified in dbSNP (ID: rs565588144) and in control databases in 11 of 282154 chromosomes at a frequency of 0.00003899 (Genome Aggregation Database March 6, 2019, v2.1.1). The variant was observed in the following populations: Other in 1 of 7206 chromosomes (freq: 0.000139), Latino in 4 of 35368 chromosomes (freq: 0.000113) and European (non-Finnish) in 6 of 128796 chromosomes (freq: 0.000047), but was not observed in the African, Ashkenazi Jewish, East Asian, European (Finnish), or South Asian populations. The p.Asp345 residue is conserved in mammals but not in more distantly related organisms however four out of five computational analyses (PolyPhen-2, SIFT, AlignGVGD, BLOSUM, MutationTaster) do not suggest a high likelihood of impact to the protein; this information is not predictive enough to rule out pathogenicity. The variant occurs outside of the splicing consensus sequence and 2 of 4 in silico or computational prediction software programs (SpliceSiteFinder, MaxEntScan, NNSPLICE, GeneSplicer) predict a greater than 10% difference in splicing; this is not very predictive of pathogenicity. In summary, based on the above information the clinical significance of this variant cannot be determined with certainty at this time. This variant is classified as a variant of uncertain significance.